The following is an entry in ClinVar:

ClinVar aggregate classification (germline): Likely pathogenic (1 of 4 stars; one submission).

Submission:

Quest Diagnostics Nichols Institute San Juan Capistrano
Classification: Likely pathogenic. Last evaluated: 2023-01-27. Review status: criteria provided, single submitter. Criteria: Quest Diagnostics criteria. Collection method: clinical testing. Allele origin: unknown.
Comment: This nonsense variant is predicted to cause the premature termination of CDKN1B protein synthesis. This variant has not been reported in large, multi-ethnic general populations. In the published literature, the variant has been reported as a somatic variant in a patient with a small intestinal neuroendocrine tumor (PMID: 25586243 (2015)). Based on the available information, this variant is classified as likely pathogenic.

Literature cited by the submitters: PubMed 25586243.

NM_004064.5(CDKN1B):c.202A>T (p.Lys68Ter)

Gene: CDKN1B (cyclin dependent kinase inhibitor 1B; plus strand). Cytogenetic location: 12p13.1.
Variant type: single nucleotide variant.
Coding change: c.202A>T on transcript NM_004064.5 (MANE Select); coding-DNA position 202, A replaced by T.
Protein change: p.Lys68Ter; replaces lysine 68 with a stop codon.
Molecular consequence: nonsense.
Genome position (GRCh38, 1-based): chr12:12,718,041, A>T. VCF-style: chr12-12718041-A-T. GRCh37 (hg19) VCF-style: chr12-12870975-A-T.
Other names: short protein forms K68*.
Identifiers: ClinVar variation 2681851 (VCV002681851.1), dbSNP rs1319912400, ClinGen allele CA383969489.
Genomic context (GRCh38, chr12:12,718,041, plus strand): 5'-CACTGCAGAGACATGGAAGAGGCGAGCCAGCGCAAGTGGAATTTCGATTTTCAGAATCAC[A>T]AACCCCTAGAGGGCAAGTACGAGTGGCAAGAGGTGGAGAAGGGCAGCTTGCCCGAGTTCT-3'